The following is an entry in ClinVar:

ClinVar aggregate classification (germline): Uncertain significance (1 of 4 stars; one submission).

Submission:

Labcorp Genetics (formerly Invitae), Labcorp
Classification: Uncertain significance. Last evaluated: 2021-05-04. Review status: criteria provided, single submitter. Criteria: Invitae Variant Classification Sherloc (09022015). Collection method: clinical testing. Allele origin: germline.
Comment: This sequence change replaces threonine with isoleucine at codon 1008 of the LRP5 protein (p.Thr1008Ile). The threonine residue is highly conserved and there is a moderate physicochemical difference between threonine and isoleucine. This variant is not present in population databases (ExAC no frequency). In summary, the available evidence is currently insufficient to determine the role of this variant in disease. Therefore, it has been classified as a Variant of Uncertain Significance. Advanced modeling of protein sequence and biophysical properties (such as structural, functional, and spatial information, amino acid conservation, physicochemical variation, residue mobility, and thermodynamic stability) performed at Invitae indicates that this missense variant is not expected to disrupt LRP5 protein function. This variant has not been reported in the literature in individuals with LRP5-related conditions.

NM_002335.4(LRP5):c.3023C>T (p.Thr1008Ile)

Gene: LRP5 (LDL receptor related protein 5; plus strand). Cytogenetic location: 11q13.2.
Variant type: single nucleotide variant.
Coding change: c.3023C>T on transcript NM_002335.4 (MANE Select); coding-DNA position 3023, C replaced by T.
Protein change: p.Thr1008Ile; replaces threonine 1008 with isoleucine.
Molecular consequence: missense variant.
Genome position (GRCh38, 1-based): chr11:68,416,523, C>T. VCF-style: chr11-68416523-C-T. GRCh37 (hg19) VCF-style: chr11-68183991-C-T.
Other names: c.1280C>T, p.Thr427Ile (NM_001291902.2); short protein forms T427I, T1008I.
Identifiers: ClinVar variation 1517944 (VCV001517944.8), dbSNP rs2098662642, ClinGen allele CA381620052.